The following is an entry in ClinVar:

NM_022716.4(PRRX1):c.370C>T (p.Arg124Ter)

Gene: PRRX1 (paired related homeobox 1; plus strand). Cytogenetic location: 1q24.2.
Variant type: single nucleotide variant.
Coding change: c.370C>T on transcript NM_022716.4 (MANE Select); coding-DNA position 370, C replaced by T.
Protein change: p.Arg124Ter; replaces arginine 124 with a stop codon.
Molecular consequence: nonsense.
Genome position (GRCh38, 1-based): chr1:170,719,854, C>T. VCF-style: chr1-170719854-C-T. GRCh37 (hg19) VCF-style: chr1-170688995-C-T.
Other names: c.370C>T, p.Arg124Ter (NM_006902.5); short protein forms R124*.
Identifiers: ClinVar variation 4531312 (VCV004531312.1).
Genomic context (GRCh38, chr1:170,719,854, plus strand): 5'-AGCCAGCTGCAGGCTTTGGAGCGTGTCTTTGAGCGGACACACTATCCTGATGCTTTTGTG[C>T]GAGAAGACCTTGCCCGCCGGGTGAACCTCACCGAGGCGAGAGTGCAGGTAACTCAAGCTG-3'

ClinVar aggregate classification (germline): Pathogenic (1 of 4 stars; one submission).

Conditions:
Craniosynostosis syndrome. Also called: Craniosynostosis. Identifiers: Orphanet 1531, MedGen C0010278, MeSH D003398, MONDO:0015469, HP:0001363.

gnomAD v4.1: 2 of 1,614,132 alleles (0.00012%); highest among the groups gnomAD compares: Non-Finnish European, 0.00017%; no homozygotes.

Submission:

Victorian Clinical Genetics Services, Murdoch Childrens Research Institute
Classification: Pathogenic for Craniosynostosis syndrome. Last evaluated: 2025-02-19. Review status: criteria provided, single submitter. Criteria: ACMG Guidelines, 2015. Collection method: clinical testing. Allele origin: germline. Affected: yes.
Comment: This variant is classified as Pathogenic. Evidence in support of pathogenic classification: Variant is predicted to cause nonsense-mediated decay (NMD) and loss of protein (premature termination codon is located at least 54 nucleotides upstream of the final exon-exon junction); Variant is present in gnomAD <0.001 for a dominant condition (v4: 2 heterozygote(s), 0 homozygote(s)); Other NMD-predicted variant(s) comparable to the one identified in this case have moderate previous evidence for pathogenicity (PMID: 37154149). Additional information: This variant is heterozygous; This gene is associated with both recessive and dominant disease. Craniosynostosis is associated to dominant disease (PMID: 37154149). Agnathia-otocephaly has been associated to both recessive and dominant disease; three affected heterozygous individuals have been reported (PMID: 21294718, 22674740, 23444262), and one homozygous individual has been reported with unaffected carrier parents (PMID: 22211708); This variant has no previous evidence of pathogenicity; No published segregation evidence has been identified for this variant; No published functional evidence has been identified for this variant; Loss of function is a known mechanism of disease in this gene and is associated with craniosynostosis (MONDO:0015469), PRRX1-related (PMID: 37154149) and agnathia-otocephaly complex (MIM#202650); The condition associated with this gene has incomplete penetrance. For craniosynostosis, affected individuals have been shown to inherit pathogenic variants from an unaffected parent (PMID: 37154149).

Literature cited by the submitters: PubMed 22674740; PubMed 22211708; PubMed 21294718; PubMed 23444262; PubMed 37154149.